The following is an entry in ClinVar:

NM_201548.5(CERKL):c.1160-7C>G

Gene: CERKL (CERK like autophagy regulator; minus strand). Cytogenetic location: 2q31.3.
Variant type: single nucleotide variant.
Coding change: c.1160-7C>G on transcript NM_201548.5 (MANE Select); 7 bases into the intron before coding-DNA position 1160, C replaced by G.
Molecular consequence: intron variant.
Genome position (GRCh38, 1-based): chr2:181,547,733, G>C on the plus strand (C>G on the coding strand, the complement: CERKL is on the minus strand). VCF-style: chr2-181547733-G-C. GRCh37 (hg19) VCF-style: chr2-182412460-G-C.
Other names: c.821-7C>G (NM_001030312.3); c.1106-7C>G (NM_001160277.2); c.953-7C>G (NM_001030313.3); c.1238-7C>G (NM_001030311.3).
Identifiers: ClinVar variation 2148537 (VCV002148537.1), dbSNP rs1178315482, ClinGen allele CA538110849.

ClinVar aggregate classification (germline): Uncertain significance (1 of 4 stars; one submission).

Allele frequency attached by ClinVar (database versions not stated): gnomAD exomes 0.00001; TOPMed 0.00002.
gnomAD v4.1: 15 of 1,613,614 alleles (0.00093%); highest among the groups gnomAD compares: South Asian, 0.0011%; no homozygotes.

Submission:

Labcorp Genetics (formerly Invitae), Labcorp
Classification: Uncertain significance. Last evaluated: 2021-09-01. Review status: criteria provided, single submitter. Criteria: Invitae Variant Classification Sherloc (09022015). Collection method: clinical testing. Allele origin: germline.
Comment: This sequence change falls in intron 10 of the CERKL gene. It does not directly change the encoded amino acid sequence of the CERKL protein. This variant is not present in population databases (ExAC no frequency). This variant has not been reported in the literature in individuals affected with CERKL-related conditions. Algorithms developed to predict the effect of sequence changes on RNA splicing suggest that this variant may disrupt the consensus splice site. In summary, the available evidence is currently insufficient to determine the role of this variant in disease. Therefore, it has been classified as a Variant of Uncertain Significance.